The following is an entry in ClinVar:

NM_032043.3(BRIP1):c.1226G>C (p.Ser409Thr)

Gene: BRIP1 (BRCA1 interacting DNA helicase 1; minus strand). Cytogenetic location: 17q23.2.
Variant type: single nucleotide variant.
Coding change: c.1226G>C on transcript NM_032043.3 (MANE Select); coding-DNA position 1226, G replaced by C.
Protein change: p.Ser409Thr; replaces serine 409 with threonine.
Molecular consequence: missense variant.
Genome position (GRCh38, 1-based): chr17:61,799,214, C>G on the plus strand (G>C on the coding strand, the complement: BRIP1 is on the minus strand). VCF-style: chr17-61799214-C-G. GRCh37 (hg19) VCF-style: chr17-59876575-C-G.
Other names: short protein forms S409T.
Identifiers: ClinVar variation 649616 (VCV000649616.12), dbSNP rs587782247, ClinGen allele CA400483651.

ClinVar aggregate classification (germline): Uncertain significance. Review status: criteria provided, multiple submitters, no conflicts (2 of 4 stars). 2 submissions from 2 submitters: Uncertain significance (2). Last evaluated 2025-07-28.

Conditions:
Familial cancer of breast. Also called: hereditary breast carcinoma; BREAST CANCER, FAMILIAL; Hereditary breast cancer. Identifiers: Orphanet 227535, MedGen C0346153, MONDO:0016419, OMIM 114480. Disease mechanism: loss of function.
Fanconi anemia complementation group J. Also called: BRIP1-Related Fanconi Anemia. Identifiers: Orphanet 84, MedGen C1836860, MONDO:0012187, OMIM 609054.
Hereditary cancer-predisposing syndrome. Also called: Hereditary Cancer Syndrome; Tumor predisposition; Neoplastic Syndromes, Hereditary; Hereditary neoplastic syndrome. Identifiers: Orphanet 140162, MedGen C0027672, MeSH D009386, MONDO:0015356.

Submissions (2):

Ambry Genetics
Classification: Uncertain significance for Hereditary cancer-predisposing syndrome. Last evaluated: 2025-07-28. Review status: criteria provided, single submitter. Criteria: Ambry Variant Classification Scheme 2023. Collection method: clinical testing. Allele origin: germline.
Comment: The p.S409T variant (also known as c.1226G>C), located in coding exon 8 of the BRIP1 gene, results from a G to C substitution at nucleotide position 1226. The serine at codon 409 is replaced by threonine, an amino acid with similar properties. This amino acid position is conserved. In addition, this alteration is predicted to be tolerated by in silico analysis. Based on the available evidence, the clinical significance of this variant remains unclear.

Labcorp Genetics (formerly Invitae), Labcorp
Classification: Uncertain significance for Familial cancer of breast; Fanconi anemia complementation group J. Last evaluated: 2019-10-20. Review status: criteria provided, single submitter. Criteria: Invitae Variant Classification Sherloc (09022015). Collection method: clinical testing. Allele origin: germline.
Comment: Algorithms developed to predict the effect of missense changes on protein structure and function (SIFT, PolyPhen-2, Align-GVGD) all suggest that this variant is likely to be tolerated, but these predictions have not been confirmed by published functional studies and their clinical significance is uncertain. In summary, the available evidence is currently insufficient to determine the role of this variant in disease. Therefore, it has been classified as a Variant of Uncertain Significance. This sequence change replaces serine with threonine at codon 409 of the BRIP1 protein (p.Ser409Thr). The serine residue is moderately conserved and there is a small physicochemical difference between serine and threonine. This variant is not present in population databases (ExAC no frequency). This variant has not been reported in the literature in individuals with BRIP1-related disease.